The following is an entry in ClinVar:

NM_000384.3(APOB):c.7108T>C (p.Leu2370=)

Gene: APOB (apolipoprotein B; minus strand). Cytogenetic location: 2p24.1.
Variant type: single nucleotide variant.
Coding change: c.7108T>C on transcript NM_000384.3 (MANE Select); coding-DNA position 7108, T replaced by C.
Protein change: p.Leu2370=; no amino-acid change (leucine 2370 retained).
Molecular consequence: synonymous variant.
Genome position (GRCh38, 1-based): chr2:21,009,760, A>G on the plus strand (T>C on the coding strand, the complement: APOB is on the minus strand). VCF-style: chr2-21009760-A-G. GRCh37 (hg19) VCF-style: chr2-21232632-A-G.
Identifiers: ClinVar variation 3393008 (VCV003393008.1).

ClinVar aggregate classification (germline): Likely benign (1 of 4 stars; one submission).

Conditions:
Familial hypercholesterolemia. Also called: Familial hypercholesterolaemia. Identifiers: MedGen C0020445, MONDO:0005439.

Submission:

GENinCode PLC
Classification: Likely benign for Familial hypercholesterolemia. Last evaluated: 2024-02-22. Review status: criteria provided, single submitter. Criteria: ACMG Guidelines, 2015. Collection method: clinical testing. Allele origin: germline.
Comment: This is a synonymous (silent) variant that is not predicted by SpliceAI to impact splicing. In addition, it occurs at a nucleotide that is not conserved. Therefore this variant has been classified as Likely Benign (BP4, BP7).